The following is an entry in ClinVar:

ClinVar aggregate classification (germline): Pathogenic. Review status: reviewed by expert panel (3 of 4 stars). 4 submissions from 4 submitters: Pathogenic (1). 3 of the submissions do not count toward it. Last evaluated 2016-10-18.

Conditions:
Breast-ovarian cancer, familial, susceptibility to, 2 (BROVCA2). Also called: BRCA2 Hereditary Breast and Ovarian Cancer. Identifiers: Orphanet 145, MedGen C2675520, MONDO:0012933, OMIM 612555. Disease mechanism: loss of function.
Hereditary cancer-predisposing syndrome. Also called: Hereditary neoplastic syndrome; Neoplastic Syndromes, Hereditary; Tumor predisposition; Hereditary Cancer Syndrome. Identifiers: Orphanet 140162, MedGen C0027672, MeSH D009386, MONDO:0015356.
Hereditary breast ovarian cancer syndrome. Also called: BRCA1- and BRCA2-Associated Hereditary Breast and Ovarian Cancer; Hereditary breast and ovarian cancer; Breast and ovarian cancer; Hereditary breast and/or ovarian cancer syndrome; Hereditary breast and ovarian cancer syndrome; Hereditary breast and ovarian cancer syndrome (HBOC). Identifiers: Orphanet 145, MedGen C0677776, MeSH D061325, MONDO:0003582. Disease mechanism: loss of function.

Submissions (4):

Evidence-based Network for the Interpretation of Germline Mutant Alleles (ENIGMA)
Classification: Pathogenic for Breast-ovarian cancer, familial, susceptibility to, 2. Last evaluated: 2016-10-18. Review status: reviewed by expert panel. Criteria: ENIGMA BRCA1/2 Classification Criteria (2015). Collection method: curation. Allele origin: germline.
Comment: Variant allele predicted to encode a truncated non-functional protein.

Ambry Genetics
Classification: Pathogenic for Hereditary cancer-predisposing syndrome. Last evaluated: 2024-10-08. Review status: criteria provided, single submitter. Criteria: Ambry Variant Classification Scheme 2023. Collection method: clinical testing. Allele origin: germline. Not counted in ClinVar's aggregate classification.
Comment: The p.S2143* pathogenic mutation (also known as c.6428C>G), located in coding exon 10 of the BRCA2 gene, results from a C to G substitution at nucleotide position 6428. This changes the amino acid from a serine to a stop codon within coding exon 10. This variant is considered to be rare based on population cohorts in the Genome Aggregation Database (gnomAD). This alteration is expected to result in loss of function by premature protein truncation or nonsense-mediated mRNA decay. As such, this alteration is interpreted as a disease-causing mutation.

Labcorp Genetics (formerly Invitae), Labcorp
Classification: Pathogenic for Hereditary breast ovarian cancer syndrome. Last evaluated: 2022-12-20. Review status: criteria provided, single submitter. Criteria: Invitae Variant Classification Sherloc (09022015). Collection method: clinical testing. Allele origin: germline. Not counted in ClinVar's aggregate classification.
Comment: This premature translational stop signal has been observed in individual(s) with a personal and/or family history of breast and/or ovarian cancer (PMID: 29446198). ClinVar contains an entry for this variant (Variation ID: 266947). For these reasons, this variant has been classified as Pathogenic. This variant is not present in population databases (gnomAD no frequency). This sequence change creates a premature translational stop signal (p.Ser2143*) in the BRCA2 gene. It is expected to result in an absent or disrupted protein product. Loss-of-function variants in BRCA2 are known to be pathogenic (PMID: 20104584).

Consortium of Investigators of Modifiers of BRCA1/2 (CIMBA), c/o University of Cambridge
Classification: Pathogenic for Breast-ovarian cancer, familial, susceptibility to, 2. Last evaluated: 2015-10-02. Review status: criteria provided, single submitter. Criteria: CIMBA Mutation Classification guidelines May 2016. Collection method: clinical testing. Allele origin: germline. Not counted in ClinVar's aggregate classification.

Literature cited by the submitters: PubMed 29446198 (cited by Labcorp Genetics (formerly Invitae), Labcorp); PubMed 20104584 (cited by Labcorp Genetics (formerly Invitae), Labcorp).

NM_000059.4(BRCA2):c.6428C>G (p.Ser2143Ter)

Gene: BRCA2 (BRCA2 DNA repair associated; plus strand). Cytogenetic location: 13q13.1.
Variant type: single nucleotide variant.
Coding change: c.6428C>G on transcript NM_000059.4 (MANE Select); coding-DNA position 6428, C replaced by G.
Protein change: p.Ser2143Ter; replaces serine 2143 with a stop codon.
Molecular consequence: nonsense.
Genome position (GRCh38, 1-based): chr13:32,340,783, C>G. VCF-style: chr13-32340783-C-G. GRCh37 (hg19) VCF-style: chr13-32914920-C-G.
Other names: 6656C>G; short protein forms S2143*.
Identifiers: ClinVar variation 266947 (VCV000266947.12), dbSNP rs149330893, ClinGen allele CA10589377.